The following is an entry in ClinVar:

NM_001267550.2(TTN):c.41402G>A (p.Ser13801Asn)

Gene: TTN (titin; minus strand). Cytogenetic location: 2q31.2.
Variant type: single nucleotide variant.
Coding change: c.41402G>A on transcript NM_001267550.2 (MANE Select); coding-DNA position 41402, G replaced by A.
Protein change: p.Ser13801Asn; replaces serine 13801 with asparagine.
Molecular consequence: missense variant.
Genome position (GRCh38, 1-based): chr2:178,636,169, C>T on the plus strand (G>A on the coding strand, the complement: TTN is on the minus strand). VCF-style: chr2-178636169-C-T. GRCh37 (hg19) VCF-style: chr2-179500896-C-T.
Other names: c.36479G>A, p.Ser12160Asn (NM_001256850.1); c.14207G>A, p.Ser4736Asn (NM_003319.4); c.33698G>A, p.Ser11233Asn (NM_133378.4); c.14582G>A, p.Ser4861Asn (NM_133432.3); c.14783G>A, p.Ser4928Asn (NM_133437.4); short protein forms S12160N, S13801N, S11233N, S4928N, S4736N, S4861N.
Identifiers: ClinVar variation 513417 (VCV000513417.4), dbSNP rs757590541, ClinGen allele CA1996273.
Genomic context (GRCh38, chr2:178,636,169, plus strand): 5'-TCCACCACAATCTTGCCATCCTTCCTCCAGACCACGTCACGCTCTTTGTTTAACTCGCAG[C>T]TCAAGTACAATGGCTGTCCTTTGACCACTGTGACTTCCTCTTCCAGTGTTTTTACAAAAC-3'
Protein context (NP_001254479.2, residues 13791-13811): TVVKGQPLYL[Ser13801Asn]CELNKERDVV

ClinVar aggregate classification (germline): Conflicting classifications of pathogenicity. Review status: criteria provided, conflicting classifications (1 of 4 stars). 2 submissions from 2 submitters: Uncertain significance (1); Likely benign (1). Last evaluated 2019-06-17.

Allele frequency attached by ClinVar (database versions not stated): gnomAD exomes below 0.00001 and 0.00002; ExAC 0.00001; gnomAD 0.00001.
gnomAD v4.1: 3 of 1,612,472 alleles (0.00019%); highest among the groups gnomAD compares: East Asian, 0.0045%; no homozygotes.

Submissions (2):

Revvity Omics, Revvity
Classification: Uncertain significance. Last evaluated: 2019-06-17. Review status: criteria provided, single submitter. Criteria: ACMG Guidelines, 2015. Collection method: clinical testing. Allele origin: germline.

GeneDx
Classification: Likely benign. Last evaluated: 2017-11-14. Review status: criteria provided, single submitter. Criteria: GeneDx Variant Classification (06012015). Collection method: clinical testing. Allele origin: germline. Affected: yes.
Comment: This variant is considered likely benign or benign based on one or more of the following criteria: it is a conservative change, it occurs at a poorly conserved position in the protein, it is predicted to be benign by multiple in silico algorithms, and/or has population frequency not consistent with disease.